The following is an entry in ClinVar:

NM_000492.4(CFTR):c.1488G>A (p.Trp496Ter)

Genes: CFTR (CF transmembrane conductance regulator; plus strand), CFTR-AS1 (CFTR antisense RNA 1; minus strand). Cytogenetic location: 7q31.2.
Variant type: single nucleotide variant.
Coding change: c.1488G>A on transcript NM_000492.4 (MANE Select); coding-DNA position 1488, G replaced by A.
Protein change: p.Trp496Ter; replaces tryptophan 496 with a stop codon.
Molecular consequence: nonsense.
Genome position (GRCh38, 1-based): chr7:117,559,559, G>A. VCF-style: chr7-117559559-G-A. GRCh37 (hg19) VCF-style: chr7-117199613-G-A.
Other names: short protein forms W496*.
Identifiers: ClinVar variation 984346 (VCV000984346.3), dbSNP rs200626971, ClinGen allele CA164967727.

ClinVar aggregate classification (germline): Likely pathogenic (1 of 4 stars; one submission).

Conditions:
Cystic fibrosis (CF). Also called: MUCOVISCIDOSIS. Identifiers: Orphanet 586, MedGen C0010674, MONDO:0009061, OMIM 219700. Disease mechanism: loss of function.

Submission:

Myriad Genetics, Inc.
Classification: Likely pathogenic for Cystic fibrosis. Last evaluated: 2019-10-27. Review status: criteria provided, single submitter. Criteria: Myriad Women's Health Autosomal Recessive and X-Linked Classification Criteria (2019). Collection method: clinical testing. Allele origin: unknown.
Comment: NM_000492.3(CFTR):c.1488G>A(W496*) is expected to be pathogenic in the context of cystic fibrosis. This variant is predicted to lead to an abnormal or absent protein product due to the creation of a premature termination codon in CFTR, a gene where loss-of-function variants are known to be pathogenic. Please note: this variant was assessed in the context of healthy population screening.